The following is an entry in ClinVar:

NM_001378778.1(MPDZ):c.5147_5148del (p.Lys1716fs)

Gene: MPDZ (multiple PDZ domain crumbs cell polarity complex component; minus strand). Cytogenetic location: 9p23.
Variant type: Deletion.
Coding change: c.5147_5148del on transcript NM_001378778.1 (MANE Select); coding-DNA positions 5147 to 5148, 2 bases deleted (AA; older notation c.5147_5148delAA).
Protein change: p.Lys1716fs; shifts the reading frame from lysine 1716.
Molecular consequence: frameshift variant.
Genome position (GRCh38, 1-based): chr9:13,121,822-13,121,823, TT deleted on the plus strand (AA on the coding strand, the reverse complement: MPDZ is on the minus strand); deleting any 2 consecutive bases within chr9:13,121,822-13,121,824 gives the same sequence; the c. name uses the placement nearest the transcript's 3' end. VCF-style (leftmost placement, unchanged base first): chr9-13121821-CTT-C. GRCh37 (hg19) VCF-style: chr9-13121820-CTT-C.
Other names: c.5048_5049del, p.Lys1683fs (NM_001261406.2, NM_001261407.2, NM_001375416.1 and 3 more transcripts); c.5147_5148del, p.Lys1716fs (NM_001330637.2, NM_003829.5); c.5246_5247del, p.Lys1749fs (NM_001375413.1); c.4937_4938del, p.Lys1646fs (NM_001375420.1, NM_001375421.1, NM_001375422.1 and 4 more transcripts); c.4739_4740del, p.Lys1580fs (NM_001375427.1); short protein forms K1683fs, K1580fs, K1749fs, K1646fs, K1716fs.
Identifiers: ClinVar variation 1979076 (VCV001979076.4), dbSNP rs749454910, ClinGen allele CA4986416.
Genomic context (GRCh38, chr9:13,121,821, plus strand): 5'-CTAGGCCTTTTCCCGGCTTCTTCTGCAGCTCAATAGTGAGGGTGTCACACACTTCCTCCT[CTT>C]TGTATGGGGCCTCATCTCTGTAGAGTGTCAGGCGCACTCTCTGTGGCGTCTGTCTCAGGA-3'

ClinVar aggregate classification (germline): Pathogenic (1 of 4 stars; one submission).

Submission:

Labcorp Genetics (formerly Invitae), Labcorp
Classification: Pathogenic. Last evaluated: 2025-08-18. Review status: criteria provided, single submitter. Criteria: Invitae Variant Classification Sherloc (09022015). Collection method: clinical testing. Allele origin: germline.
Comment: This sequence change creates a premature translational stop signal (p.Lys1716Argfs*6) in the MPDZ gene. It is expected to result in an absent or disrupted protein product. Loss-of-function variants in MPDZ are known to be pathogenic (PMID: 23240096, 28556411). This variant is present in population databases (rs749454910, gnomAD 0.002%). This variant has not been reported in the literature in individuals affected with MPDZ-related conditions. ClinVar contains an entry for this variant (Variation ID: 1979076). For these reasons, this variant has been classified as Pathogenic.

Literature cited by the submitters: PubMed 23240096; PubMed 28556411.